The following is an entry in ClinVar:

NM_001112704.2(VAX1):c.642G>A (p.Leu214=)

Gene: VAX1 (ventral anterior homeobox 1; minus strand). Cytogenetic location: 10q25.3.
Variant type: single nucleotide variant.
Coding change: c.642G>A on transcript NM_001112704.2 (MANE Select); coding-DNA position 642, G replaced by A.
Protein change: p.Leu214=; no amino-acid change (leucine 214 retained).
Molecular consequence: synonymous variant. On other transcripts: intron variant (1).
Genome position (GRCh38, 1-based): chr10:117,134,371, C>T on the plus strand (G>A on the coding strand, the complement: VAX1 is on the minus strand). VCF-style: chr10-117134371-C-T. GRCh37 (hg19) VCF-style: chr10-118893882-C-T.
Other names: c.430-1894G>A (NM_199131.3).
Identifiers: ClinVar variation 283191 (VCV000283191.22), dbSNP rs554140675, ClinGen allele CA5709675.

ClinVar aggregate classification (germline): Conflicting classifications of pathogenicity. Review status: criteria provided, conflicting classifications (1 of 4 stars). 5 submissions from 5 submitters: Uncertain significance (1); Likely benign (3). 1 of the submissions does not count toward it. Last evaluated 2026-01-27.

Conditions:
VAX1-related disorder. Also called: VAX1-related condition.
Microphthalmia, syndromic 11 (MCOPS11). Identifiers: MedGen C3553077, MONDO:0013734, OMIM 614402.

Allele frequency attached by ClinVar (database versions not stated): 1000 Genomes Project 0.00040; 1000 Genomes Project 30x 0.00094; gnomAD exomes 0.00097 and 0.00113; gnomAD 0.00103 and 0.00105; TOPMed 0.00162; ExAC 0.01250.
gnomAD v4.1: 1,379 of 1,211,662 alleles (0.11%); highest among the groups gnomAD compares: Admixed American, 0.4%; 4 homozygotes.

Submissions (5):

Labcorp Genetics (formerly Invitae), Labcorp
Classification: Likely benign for Microphthalmia, syndromic 11. Last evaluated: 2026-01-27. Review status: criteria provided, single submitter. Criteria: Invitae Variant Classification Sherloc (09022015). Collection method: clinical testing. Allele origin: germline.

CeGaT Center for Human Genetics Tuebingen
Classification: Likely benign. Last evaluated: 2025-12-01. Review status: criteria provided, single submitter. Criteria: CeGaT Center For Human Genetics Tuebingen Variant Classification Criteria Version 2. Collection method: clinical testing. Allele origin: germline. Affected: yes. Observed: 1 variant allele.
Comment: VAX1: BP4, BP7

Blueprint Genetics
Classification: Likely benign. Last evaluated: 2024-11-25. Review status: criteria provided, single submitter. Criteria: ACMG Guidelines, 2015. Collection method: clinical testing. Allele origin: germline.

Eurofins Ntd Llc (ga)
Classification: Uncertain significance. Last evaluated: 2015-09-22. Review status: criteria provided, single submitter. Criteria: EGL Classification Definitions 2015. Collection method: clinical testing. Allele origin: germline. Observed: 1 variant allele, 1 heterozygote.

PreventionGenetics, part of Exact Sciences
Classification: Likely benign for VAX1-related condition. Last evaluated: 2019-10-25. Review status: no assertion criteria provided. Collection method: clinical testing. Allele origin: germline. Not counted in ClinVar's aggregate classification.
Comment: This variant is classified as likely benign based on ACMG/AMP sequence variant interpretation guidelines (Richards et al. 2015 PMID: 25741868, with internal and published modifications).